The following is an entry in ClinVar:

NM_018685.5(ANLN):c.625A>G (p.Ile209Val)

Gene: ANLN (anillin, actin binding protein; plus strand). Cytogenetic location: 7p14.2.
Variant type: single nucleotide variant.
Coding change: c.625A>G on transcript NM_018685.5 (MANE Select); coding-DNA position 625, A replaced by G.
Protein change: p.Ile209Val; replaces isoleucine 209 with valine.
Molecular consequence: missense variant.
Genome position (GRCh38, 1-based): chr7:36,406,318, A>G. VCF-style: chr7-36406318-A-G. GRCh37 (hg19) VCF-style: chr7-36445927-A-G.
Other names: c.625A>G (NM_018685.2); c.625A>G, p.Ile209Val (NM_001284301.3, NM_001284302.3); short protein forms I209V.
Identifiers: ClinVar variation 2054266 (VCV002054266.5), dbSNP rs767242076, ClinGen allele CA4219387.
Genomic context (GRCh38, chr7:36,406,318, plus strand): 5'-TCAAATGCCTCGGCAACTCCAGTTGGCAGAAGGGGCCGTCTGGCCAATCTTGCTGCAACT[A>G]TTTGCTCCTGGGAAGATGATGTAAATCACTCATTTGCAAAACAAAACAGTGTACAAGAAC-3'
Protein context (NP_061155.2, residues 199-219): RGRLANLAAT[Ile209Val]CSWEDDVNHS

ClinVar aggregate classification (germline): Uncertain significance. Review status: criteria provided, multiple submitters, no conflicts (2 of 4 stars). 2 submissions from 2 submitters: Uncertain significance (2). Last evaluated 2025-08-30.

Allele frequency attached by ClinVar (database versions not stated): gnomAD exomes below 0.00001; ExAC 0.00001.
gnomAD v4.1: 7 of 1,614,208 alleles (0.00043%); highest among the groups gnomAD compares: East Asian, 0.011%; no homozygotes.

Submissions (2):

Ambry Genetics
Classification: Uncertain significance. Last evaluated: 2025-08-30. Review status: criteria provided, single submitter. Criteria: Ambry Variant Classification Scheme 2023. Collection method: clinical testing. Allele origin: germline.

Labcorp Genetics (formerly Invitae), Labcorp
Classification: Uncertain significance. Last evaluated: 2022-11-01. Review status: criteria provided, single submitter. Criteria: Invitae Variant Classification Sherloc (09022015). Collection method: clinical testing. Allele origin: germline.
Comment: In summary, the available evidence is currently insufficient to determine the role of this variant in disease. Therefore, it has been classified as a Variant of Uncertain Significance. Algorithms developed to predict the effect of missense changes on protein structure and function are either unavailable or do not agree on the potential impact of this missense change (SIFT: "Tolerated"; PolyPhen-2: "Probably Damaging"; Align-GVGD: "Class C0"). This sequence change replaces isoleucine, which is neutral and non-polar, with valine, which is neutral and non-polar, at codon 209 of the ANLN protein (p.Ile209Val). This variant is present in population databases (rs767242076, gnomAD 0.003%). This variant has not been reported in the literature in individuals affected with ANLN-related conditions.